The following is an entry in ClinVar:

ClinVar aggregate classification (germline): Uncertain significance (1 of 4 stars; one submission).

Conditions:
X-linked severe combined immunodeficiency (SCIDX1). Also called: IMMUNODEFICIENCY 4; SCID, X-LINKED; SEVERE COMBINED IMMUNODEFICIENCY, X-LINKED, T CELL-NEGATIVE, B CELL-POSITIVE, NK CELL-NEGATIVE; X-Linked Combined Immunodeficiency Diseases; T-B+ severe combined immunodeficiency due to gamma chain deficiency. Identifiers: Orphanet 276, MedGen C6022468, MONDO:0010315, OMIM 300400. Disease mechanism: loss of function.

Submission:

Labcorp Genetics (formerly Invitae), Labcorp
Classification: Uncertain significance for X-linked severe combined immunodeficiency. Last evaluated: 2025-11-01. Review status: criteria provided, single submitter. Criteria: Invitae Variant Classification Sherloc (09022015). Collection method: clinical testing. Allele origin: germline.
Comment: This sequence change falls in intron 4 of the IL2RG gene. It does not directly change the encoded amino acid sequence of the IL2RG protein. It affects a nucleotide within the consensus splice site. This variant is not present in population databases (gnomAD no frequency). This variant has been observed in individual(s) with IL2RG-related conditions (PMID: 9633906). This variant is also known as +3 intron 4 G>C . Variants that disrupt the consensus splice site are a relatively common cause of aberrant splicing (PMID: 17576681, 9536098). Algorithms developed to predict the effect of sequence changes on RNA splicing suggest that this variant may disrupt the consensus splice site. In summary, the available evidence is currently insufficient to determine the role of this variant in disease. Therefore, it has been classified as a Variant of Uncertain Significance.

Literature cited by the submitters: PubMed 9633906; PubMed 17576681; PubMed 9536098.

NM_000206.3(IL2RG):c.594+3G>C

Gene: IL2RG (interleukin 2 receptor subunit gamma; minus strand). Cytogenetic location: Xq13.1.
Variant type: single nucleotide variant.
Coding change: c.594+3G>C on transcript NM_000206.3 (MANE Select); 3 bases into the intron after coding-DNA position 594, G replaced by C.
Molecular consequence: intron variant.
Genome position (GRCh38, 1-based): chrX:71,110,153, C>G on the plus strand (G>C on the coding strand, the complement: IL2RG is on the minus strand). VCF-style: chrX-71110153-C-G. GRCh37 (hg19) VCF-style: chrX-70330003-C-G.
Other names: c.594+3G>C (NM_001438870.1).
Identifiers: ClinVar variation 4710796 (VCV004710796.1).
Genomic context (GRCh38, chrX:71,110,153, plus strand): 5'-GTTGAATCCTTTAGCCCTACTTTCTTGGCCTTAGCTGCTACATTCACGTCCCTAGTCACT[C>G]ACAGTCCAGCTGTGGTCCCAGTCAGTCCGGTACTGCACCAAGTGCTCCAAACAGTGGTTC-3'